The following is an entry in ClinVar:

ClinVar aggregate classification (germline): Uncertain significance (1 of 4 stars; one submission).

Conditions:
Inborn genetic diseases. Identifiers: MedGen C0950123, MeSH D030342.

Submission:

Ambry Genetics
Classification: Uncertain significance for Inborn genetic diseases. Last evaluated: 2026-06-16. Review status: criteria provided, single submitter. Criteria: Ambry Variant Classification Scheme 2023. Collection method: clinical testing. Allele origin: germline.
Comment: The p.R274P variant (also known as c.821G>C), located in coding exon 6 of the G6PC3 gene, results from a G to C substitution at nucleotide position 821. The arginine at codon 274 is replaced by proline, an amino acid with dissimilar properties. This amino acid position is conserved. In addition, the in silico prediction for this alteration is inconclusive. Based on the available evidence, the clinical significance of this variant remains unclear.

NM_138387.4(G6PC3):c.821G>C (p.Arg274Pro)

Gene: G6PC3 (glucose-6-phosphatase catalytic subunit 3; plus strand). Cytogenetic location: 17q21.31.
Variant type: single nucleotide variant.
Coding change: c.821G>C on transcript NM_138387.4 (MANE Select); coding-DNA position 821, G replaced by C.
Protein change: p.Arg274Pro; replaces arginine 274 with proline.
Molecular consequence: missense variant. On other transcripts: 3 prime UTR variant (1).
Genome position (GRCh38, 1-based): chr17:44,075,823, G>C. VCF-style: chr17-44075823-G-C. GRCh37 (hg19) VCF-style: chr17-42153191-G-C.
Other names: c.*114G>C (NM_001319945.2); c.476G>C, p.Arg159Pro (NM_001384165.1, NM_001384166.1, NM_001384167.1 and 1 more transcripts); short protein forms R159P, R274P.
Identifiers: ClinVar variation 5022079 (VCV005022079.1).